The following is an entry in ClinVar:

NM_002335.4(LRP5):c.1015+3G>A

Gene: LRP5 (LDL receptor related protein 5; plus strand). Cytogenetic location: 11q13.2.
Variant type: single nucleotide variant.
Coding change: c.1015+3G>A on transcript NM_002335.4 (MANE Select); 3 bases into the intron after coding-DNA position 1015, G replaced by A.
Molecular consequence: intron variant.
Genome position (GRCh38, 1-based): chr11:68,365,705, G>A. VCF-style: chr11-68365705-G-A. GRCh37 (hg19) VCF-style: chr11-68133173-G-A.
Other names: c.-751+3G>A (NM_001291902.2).
Identifiers: ClinVar variation 855267 (VCV000855267.9), dbSNP rs1203873252, ClinGen allele CA599949196.

ClinVar aggregate classification (germline): Uncertain significance. Review status: criteria provided, multiple submitters, no conflicts (2 of 4 stars). 2 submissions from 2 submitters: Uncertain significance (2). Last evaluated 2025-06-22.

Allele frequency attached by ClinVar (database versions not stated): gnomAD 0.00001; TOPMed 0.00002.
gnomAD v4.1: 2 of 1,605,856 alleles (0.00012%); highest among the groups gnomAD compares: Non-Finnish European, 0.000085%; no homozygotes.

Submissions (2):

Labcorp Genetics (formerly Invitae), Labcorp
Classification: Uncertain significance. Last evaluated: 2025-06-22. Review status: criteria provided, single submitter. Criteria: Invitae Variant Classification Sherloc (09022015). Collection method: clinical testing. Allele origin: germline.
Comment: This sequence change falls in intron 5 of the LRP5 gene. It does not directly change the encoded amino acid sequence of the LRP5 protein. It affects a nucleotide within the consensus splice site. This variant is present in population databases (no rsID available, gnomAD 0.007%). This variant has not been reported in the literature in individuals affected with LRP5-related conditions. ClinVar contains an entry for this variant (Variation ID: 855267). Variants that disrupt the consensus splice site are a relatively common cause of aberrant splicing (PMID: 17576681, 9536098). Algorithms developed to predict the effect of sequence changes on RNA splicing suggest that this variant is not likely to affect RNA splicing. In summary, the available evidence is currently insufficient to determine the role of this variant in disease. Therefore, it has been classified as a Variant of Uncertain Significance.

Revvity Omics, Revvity
Classification: Uncertain significance. Last evaluated: 2025-06-13. Review status: criteria provided, single submitter. Criteria: ACMG Guidelines, 2015. Collection method: clinical testing. Allele origin: germline.

Literature cited by the submitters: PubMed 17576681 (cited by Labcorp Genetics (formerly Invitae), Labcorp); PubMed 9536098 (cited by Labcorp Genetics (formerly Invitae), Labcorp).